The following is an entry in ClinVar:

NM_213674.1(TPM2):c.773-710G>A

Gene: TPM2 (tropomyosin 2; minus strand). Cytogenetic location: 9p13.3.
Variant type: single nucleotide variant.
Coding change: c.773-710G>A on transcript NM_213674.1; 710 bases into the intron before coding-DNA position 773, G replaced by A.
Molecular consequence: intron variant.
Genome position (GRCh38, 1-based): chr9:35,682,873, C>T on the plus strand (G>A on the coding strand, the complement: TPM2 is on the minus strand). VCF-style: chr9-35682873-C-T. GRCh37 (hg19) VCF-style: chr9-35682870-C-T.
Other names: c.773-710G>A (NM_001301226.2).
Identifiers: ClinVar variation 2659178 (VCV002659178.23), dbSNP rs149382483, ClinGen allele CA5047129.

ClinVar aggregate classification (germline): Benign/Likely benign. Review status: criteria provided, multiple submitters, no conflicts (2 of 4 stars). 2 submissions from 2 submitters: Benign (1); Likely benign (1). Last evaluated 2023-02-23.

Allele frequency attached by ClinVar (database versions not stated): ExAC 0.00092; 1000 Genomes Project 0.00020; 1000 Genomes Project 30x 0.00016; gnomAD 0.00090; TOPMed 0.00091.
gnomAD v4.1: 2,316 of 1,456,076 alleles (0.16%); highest among the groups gnomAD compares: Non-Finnish European, 0.2%; 4 homozygotes.

Submissions (2):

Blueprint Genetics
Classification: Likely benign. Last evaluated: 2023-02-23. Review status: criteria provided, single submitter. Criteria: ACMG Guidelines, 2015. Collection method: clinical testing. Allele origin: germline.

CeGaT Center for Human Genetics Tuebingen
Classification: Benign. Last evaluated: 2023-01-01. Review status: criteria provided, single submitter. Criteria: CeGaT Center For Human Genetics Tuebingen Variant Classification Criteria Version 2. Collection method: clinical testing. Allele origin: germline. Affected: yes. Observed: 3 variant alleles.
Comment: TPM2: BS1, BS2